The following is an entry in ClinVar:

ClinVar aggregate classification (germline): Uncertain significance (1 of 4 stars; one submission).

Conditions:
Inborn genetic diseases. Identifiers: MedGen C0950123, MeSH D030342.

gnomAD v4.1: 1 of 1,614,106 alleles (0.000062%); no homozygotes.

Submission:

Ambry Genetics
Classification: Uncertain significance for Inborn genetic diseases. Last evaluated: 2025-02-05. Review status: criteria provided, single submitter. Criteria: Ambry Variant Classification Scheme 2023. Collection method: clinical testing. Allele origin: germline.
Comment: The p.P207A variant (also known as c.619C>G), located in coding exon 6 of the PAX5 gene, results from a C to G substitution at nucleotide position 619. The proline at codon 207 is replaced by alanine, an amino acid with highly similar properties. This amino acid position is conserved. In addition, the in silico prediction for this alteration is inconclusive. Based on the available evidence, the clinical significance of this variant remains unclear.

NM_016734.3(PAX5):c.619C>G (p.Pro207Ala)

Gene: PAX5 (paired box 5; minus strand). Cytogenetic location: 9p13.2.
Variant type: single nucleotide variant.
Coding change: c.619C>G on transcript NM_016734.3 (MANE Select); coding-DNA position 619, C replaced by G.
Protein change: p.Pro207Ala; replaces proline 207 with alanine.
Molecular consequence: missense variant. On other transcripts: non-coding transcript variant (2).
Genome position (GRCh38, 1-based): chr9:36,966,710, G>C on the plus strand (C>G on the coding strand, the complement: PAX5 is on the minus strand). VCF-style: chr9-36966710-G-C. GRCh37 (hg19) VCF-style: chr9-36966707-G-C.
Other names: c.619C>G, p.Pro207Ala (NM_001280547.2, NM_001280548.2, NM_001280549.2 and 2 more transcripts); c.295C>G, p.Pro99Ala (NM_001280551.2, NM_001280556.2); c.490C>G, p.Pro164Ala (NM_001280553.2, NM_001280554.2); c.421C>G, p.Pro141Ala (NM_001280555.2); short protein forms P207A, P141A, P164A, P99A.
Identifiers: ClinVar variation 3885945 (VCV003885945.1).